The following is an entry in ClinVar:

NM_015046.7(SETX):c.3737A>C (p.His1246Pro)

Gene: SETX (senataxin; minus strand). Cytogenetic location: 9q34.13.
Variant type: single nucleotide variant.
Coding change: c.3737A>C on transcript NM_015046.7 (MANE Select); coding-DNA position 3737, A replaced by C.
Protein change: p.His1246Pro; replaces histidine 1246 with proline.
Molecular consequence: missense variant.
Genome position (GRCh38, 1-based): chr9:132,327,861, T>G on the plus strand (A>C on the coding strand, the complement: SETX is on the minus strand). VCF-style: chr9-132327861-T-G. GRCh37 (hg19) VCF-style: chr9-135203248-T-G.
Other names: c.3737A>C, p.His1246Pro (NM_001351527.2, NM_001351528.2); short protein forms H1246P.
Identifiers: ClinVar variation 1375242 (VCV001375242.6), dbSNP rs2131440106, ClinGen allele CA375328481.

ClinVar aggregate classification (germline): Uncertain significance (1 of 4 stars; one submission).

Conditions:
Amyotrophic lateral sclerosis type 4 (ALS4). Also called: NEURONOPATHY, DISTAL HEREDITARY MOTOR, WITH PYRAMIDAL FEATURES; AMYOTROPHIC LATERAL SCLEROSIS 4, JUVENILE. Identifiers: Orphanet 357043, MedGen C1865409, MONDO:0011223, OMIM 602433.
Spinocerebellar ataxia, autosomal recessive, with axonal neuropathy 2 (SCAN2). Also called: ATAXIA-OCULOMOTOR APRAXIA 2; Ataxia with Oculomotor Apraxia; Ataxia-ocular apraxia-2; Ataxia with Oculomotor Apraxia Type 2. Identifiers: Orphanet 64753, MedGen C1853761, MONDO:0018996, OMIM 606002.

gnomAD v4.1: 1 of 1,614,240 alleles (0.000062%); highest among the groups gnomAD compares: Non-Finnish European, 0.000085%; no homozygotes.

Submission:

Labcorp Genetics (formerly Invitae), Labcorp
Classification: Uncertain significance for Amyotrophic lateral sclerosis type 4; Spinocerebellar ataxia, autosomal recessive, with axonal neuropathy 2. Last evaluated: 2021-08-15. Review status: criteria provided, single submitter. Criteria: Invitae Variant Classification Sherloc (09022015). Collection method: clinical testing. Allele origin: germline.
Comment: This variant has not been reported in the literature in individuals affected with SETX-related conditions. This sequence change replaces histidine with proline at codon 1246 of the SETX protein (p.His1246Pro). The histidine residue is weakly conserved and there is a moderate physicochemical difference between histidine and proline. This variant is not present in population databases (ExAC no frequency). Advanced modeling of protein sequence and biophysical properties (such as structural, functional, and spatial information, amino acid conservation, physicochemical variation, residue mobility, and thermodynamic stability) performed at Invitae indicates that this missense variant is not expected to disrupt SETX protein function. In summary, the available evidence is currently insufficient to determine the role of this variant in disease. Therefore, it has been classified as a Variant of Uncertain Significance.